The following is an entry in ClinVar:

NM_030665.4(RAI1):c.3750C>T (p.Asn1250=)

Gene: RAI1 (retinoic acid induced 1; plus strand). Cytogenetic location: 17p11.2.
Variant type: single nucleotide variant.
Coding change: c.3750C>T on transcript NM_030665.4 (MANE Select); coding-DNA position 3750, C replaced by T.
Protein change: p.Asn1250=; no amino-acid change (asparagine 1250 retained).
Molecular consequence: synonymous variant.
Genome position (GRCh38, 1-based): chr17:17,796,698, C>T. VCF-style: chr17-17796698-C-T. GRCh37 (hg19) VCF-style: chr17-17700012-C-T.
Other names: c.3750C>T (NM_030665.3).
Identifiers: ClinVar variation 1614130 (VCV001614130.10), dbSNP rs377075742, ClinGen allele CA8418810.

ClinVar aggregate classification (germline): Likely benign. Review status: criteria provided, single submitter (1 of 4 stars). 2 submissions from 2 submitters: Likely benign (1). 1 of the submissions does not count toward it. Last evaluated 2025-12-22.

Conditions:
RAI1-related disorder. Also called: RAI1-related condition.

Allele frequency attached by ClinVar (database versions not stated): gnomAD exomes 0.00004 and 0.00005; gnomAD 0.00003 and 0.00004; TOPMed 0.00005; ExAC 0.00004; ESP Exome Variant Server 0.00008.

Submissions (2):

Labcorp Genetics (formerly Invitae), Labcorp
Classification: Likely benign. Last evaluated: 2025-12-22. Review status: criteria provided, single submitter. Criteria: Invitae Variant Classification Sherloc (09022015). Collection method: clinical testing. Allele origin: germline.

PreventionGenetics, part of Exact Sciences
Classification: Likely benign for RAI1-related condition. Last evaluated: 2021-04-22. Review status: no assertion criteria provided. Collection method: clinical testing. Allele origin: germline. Not counted in ClinVar's aggregate classification.
Comment: This variant is classified as likely benign based on ACMG/AMP sequence variant interpretation guidelines (Richards et al. 2015 PMID: 25741868, with internal and published modifications).